The following is an entry in ClinVar:

NM_015061.6(KDM4C):c.2921C>T (p.Ser974Phe)

Gene: KDM4C (lysine demethylase 4C; plus strand). Cytogenetic location: 9p24.1.
Variant type: single nucleotide variant.
Coding change: c.2921C>T on transcript NM_015061.6 (MANE Select); coding-DNA position 2921, C replaced by T.
Protein change: p.Ser974Phe; replaces serine 974 with phenylalanine.
Molecular consequence: missense variant. On other transcripts: non-coding transcript variant (4).
Genome position (GRCh38, 1-based): chr9:7,169,817, C>T. VCF-style: chr9-7169817-C-T. GRCh37 (hg19) VCF-style: chr9-7169817-C-T.
Other names: c.2921C>T, p.Ser974Phe (NM_001304339.4); c.2156C>T, p.Ser719Phe (NM_001304340.4); c.3020C>T, p.Ser1007Phe (NM_001353997.3); c.1709C>T, p.Ser570Phe (NM_001353999.3); c.1610C>T, p.Ser537Phe (NM_001354000.3, NM_001354001.3); short protein forms S974F, S537F, S570F, S1007F, S719F.
Identifiers: ClinVar variation 4999150 (VCV004999150.1).

ClinVar aggregate classification (germline): Uncertain significance (1 of 4 stars; one submission).

Conditions:
KDM4C-related disorder. Also called: KDM4C-related condition.

Submission:

PreventionGenetics, part of Exact Sciences
Classification: Uncertain significance for KDM4C-related condition. Last evaluated: 2026-03-05. Review status: criteria provided, single submitter. Criteria: ACMG Guidelines, 2015. Collection method: clinical testing. Allele origin: germline.
Comment: The KDM4C c.3020C>T variant is predicted to result in the amino acid substitution p.Ser1007Phe. To our knowledge, this variant has not been reported in the literature or in a large population database (gnomAD), indicating this variant is rare. At this time, the clinical significance of this variant is uncertain due to the absence of conclusive functional and genetic evidence.